The following is an entry in ClinVar:

ClinVar aggregate classification (germline): Pathogenic (1 of 4 stars; one submission).

Allele frequency attached by ClinVar (database versions not stated): gnomAD exomes below 0.00001; gnomAD 0.00001.
gnomAD v4.1: 2 of 1,613,424 alleles (0.00012%); highest among the groups gnomAD compares: African/African-American, 0.0013%; no homozygotes.

Submission:

Labcorp Genetics (formerly Invitae), Labcorp
Classification: Pathogenic. Last evaluated: 2023-10-16. Review status: criteria provided, single submitter. Criteria: Invitae Variant Classification Sherloc (09022015). Collection method: clinical testing. Allele origin: germline.
Comment: This sequence change creates a premature translational stop signal (p.Arg2001*) in the ATR gene. It is expected to result in an absent or disrupted protein product. Loss-of-function variants in ATR are known to be pathogenic (PMID: 21228398, 23144622). This variant is not present in population databases (gnomAD no frequency). This variant has not been reported in the literature in individuals affected with ATR-related conditions. Algorithms developed to predict the effect of sequence changes on RNA splicing suggest that this variant may disrupt the consensus splice site. For these reasons, this variant has been classified as Pathogenic.

Literature cited by the submitters: PubMed 21228398; PubMed 23144622.

NM_001184.4(ATR):c.6001C>T (p.Arg2001Ter)

Gene: ATR (ATR checkpoint kinase; minus strand). Cytogenetic location: 3q23.
Variant type: single nucleotide variant.
Coding change: c.6001C>T on transcript NM_001184.4 (MANE Select); coding-DNA position 6001, C replaced by T.
Protein change: p.Arg2001Ter; replaces arginine 2001 with a stop codon.
Molecular consequence: nonsense.
Genome position (GRCh38, 1-based): chr3:142,493,209, G>A on the plus strand (C>T on the coding strand, the complement: ATR is on the minus strand). VCF-style: chr3-142493209-G-A. GRCh37 (hg19) VCF-style: chr3-142212051-G-A.
Other names: c.5809C>T, p.Arg1937Ter (NM_001354579.2); short protein forms R1937*, R2001*.
Identifiers: ClinVar variation 2883531 (VCV002883531.2), dbSNP rs2031394526, ClinGen allele CA354811496.
Genomic context (GRCh38, chr3:142,493,209, plus strand): 5'-TTGCATTGCTTTCAAAGTTAGCTGTTTCTTCCATAAATCGGCCCACTAGTAGCATAGCTC[G>A]ACCATGGATTAACATGTTCTTACCCTCAGGTGGGGTTTCATTTTCAGGAAAACATAATTC-3'